The following is an entry in ClinVar:

ClinVar aggregate classification (germline): Pathogenic (1 of 4 stars; one submission).

Conditions:
3-methylcrotonyl-CoA carboxylase 2 deficiency. Also called: METHYLCROTONYLGLYCINURIA, TYPE II; 3 alpha methylcrotonyl-CoA carboxylase 2 deficiency; 3 alpha methylcrotonylglycinuria 2; MCC 2 deficiency; Methylcrotonylglycinuria type 2. Identifiers: Orphanet 6, MedGen C1859499, MONDO:0008862, OMIM 210210.

gnomAD v4.1: 1 of 1,613,770 alleles (0.000062%); highest among the groups gnomAD compares: Non-Finnish European, 0.000085%; no homozygotes.

Submission:

Myriad Genetics, Inc.
Classification: Pathogenic for 3-methylcrotonyl-CoA carboxylase 2 deficiency. Last evaluated: 2025-01-18. Review status: criteria provided, single submitter. Criteria: Myriad Autosomal Dominant, Autosomal Recessive and X-Linked Classification Criteria (2023). Collection method: clinical testing. Allele origin: unknown.
Comment: NM_022132.4(MCCC2):c.1176C>A(C392*) is expected to be pathogenic in the context of 3-methylcrotonyl-CoA carboxylase deficiency, MCCC2-related. This variant is predicted to lead to an abnormal or absent protein product due to the creation of a premature termination codon in MCCC2, a gene where loss-of-function variants are known to be pathogenic. Please note: this variant was assessed in the context of healthy population screening.

NM_022132.5(MCCC2):c.1176C>A (p.Cys392Ter)

Gene: MCCC2 (methylcrotonyl-CoA carboxylase subunit 2; plus strand). Cytogenetic location: 5q13.2.
Variant type: single nucleotide variant.
Coding change: c.1176C>A on transcript NM_022132.5 (MANE Select); coding-DNA position 1176, C replaced by A.
Protein change: p.Cys392Ter; replaces cysteine 392 with a stop codon.
Molecular consequence: nonsense.
Genome position (GRCh38, 1-based): chr5:71,646,237, C>A. VCF-style: chr5-71646237-C-A. GRCh37 (hg19) VCF-style: chr5-70942064-C-A.
Other names: c.1062C>A, p.Cys354Ter (NM_001363147.1); short protein forms C354*, C392*.
Identifiers: ClinVar variation 5013981 (VCV005013981.1).